The following is an entry in ClinVar:

ClinVar aggregate classification (germline): Conflicting classifications of pathogenicity. Review status: criteria provided, conflicting classifications (1 of 4 stars). 4 submissions from 4 submitters: Pathogenic (1); Likely pathogenic (1); Uncertain significance (2). Last evaluated 2024-08-13.

Conditions:
Leukodystrophy, hypomyelinating, 11. Identifiers: Orphanet 88637, MedGen C4225305, MONDO:0014666, OMIM 616494.
Treacher Collins syndrome 3 (TCS3). Also called: POLR1C-Related Treacher Collins Syndrome. Identifiers: Orphanet 861, MedGen C1855433, MONDO:0009558, OMIM 248390.

Allele frequency attached by ClinVar (database versions not stated): ExAC 0.00001; gnomAD 0.00001 and 0.00002; TOPMed 0.00001; gnomAD exomes 0.00002 and 0.00004; 1000 Genomes Project 30x 0.00016; 1000 Genomes Project 0.00020.
gnomAD v4.1: 61 of 1,614,040 alleles (0.0038%); highest among the groups gnomAD compares: Non-Finnish European, 0.0047%; no homozygotes.

Submissions (4):

Labcorp Genetics (formerly Invitae), Labcorp
Classification: Uncertain significance. Last evaluated: 2024-08-13. Review status: criteria provided, single submitter. Criteria: Invitae Variant Classification Sherloc (09022015). Collection method: clinical testing. Allele origin: germline.
Comment: This sequence change replaces threonine, which is neutral and polar, with methionine, which is neutral and non-polar, at codon 313 of the POLR1C protein (p.Thr313Met). This variant is present in population databases (rs181576159, gnomAD 0.004%). This missense change has been observed in individual(s) with leukodystrophy (PMID: 32042905). ClinVar contains an entry for this variant (Variation ID: 635152). Advanced modeling of protein sequence and biophysical properties (such as structural, functional, and spatial information, amino acid conservation, physicochemical variation, residue mobility, and thermodynamic stability) performed at Invitae indicates that this missense variant is expected to disrupt POLR1C protein function with a positive predictive value of 80%. In summary, the available evidence is currently insufficient to determine the role of this variant in disease. Therefore, it has been classified as a Variant of Uncertain Significance.

Fulgent Genetics
Classification: Likely pathogenic for Treacher Collins syndrome 3; Leukodystrophy, hypomyelinating, 11. Last evaluated: 2024-06-18. Review status: criteria provided, single submitter. Criteria: ACMG Guidelines, 2015. Collection method: clinical testing. Allele origin: germline.

Illumina Laboratory Services, Illumina
Classification: Uncertain significance for Treacher Collins syndrome 3. Last evaluated: 2018-01-12. Review status: criteria provided, single submitter. Criteria: ICSL Variant Classification Criteria 13 December 2019. Collection method: clinical testing. Allele origin: germline.

MyeliNeuroGene Lab, McGill University Health Center Research Institute
Classification: Pathogenic for Leukodystrophy, hypomyelinating, 11. Review status: criteria provided, single submitter. Criteria: ACMG Guidelines, 2015. Collection method: research. Allele origin: maternal. Inheritance: Autosomal recessive inheritance. Affected: no.

Literature cited by the submitters: PubMed 32042905 (cited by Labcorp Genetics (formerly Invitae), Labcorp); PubMed 610060 (cited by MyeliNeuroGene Lab, McGill University Health Center Research Institute).

NM_203290.4(POLR1C):c.938C>T (p.Thr313Met)

Gene: POLR1C (RNA polymerase I and III subunit C; plus strand). Cytogenetic location: 6p21.1.
Variant type: single nucleotide variant.
Coding change: c.938C>T on transcript NM_203290.4 (MANE Select); coding-DNA position 938, C replaced by T.
Protein change: p.Thr313Met; replaces threonine 313 with methionine.
Molecular consequence: missense variant. On other transcripts: intron variant (2).
Genome position (GRCh38, 1-based): chr6:43,521,197, C>T. VCF-style: chr6-43521197-C-T. GRCh37 (hg19) VCF-style: chr6-43488935-C-T.
Other names: c.922+149C>T (NM_001318876.2, NM_001363658.2); short protein forms T313M.
Identifiers: ClinVar variation 635152 (VCV000635152.12), dbSNP rs181576159, ClinGen allele CA3825648.